The following is an entry in ClinVar:

ClinVar aggregate classification (germline): Likely pathogenic (1 of 4 stars; one submission).

Conditions:
Usher syndrome type 2A. Also called: RETINAL DISEASE IN USHER SYNDROME TYPE IIA, MODIFIER OF; USHER SYNDROME, TYPE IIA. Identifiers: Orphanet 231178, Orphanet 886, MedGen C1848634, MONDO:0010169, OMIM 276901.

Submission:

Natera, Inc.
Classification: Likely pathogenic for Usher syndrome type 2A. Last evaluated: 2024-11-21. Review status: criteria provided, single submitter. Criteria: Natera Variant Classification Schema (03/2026). Collection method: clinical testing. Allele origin: germline.
Comment: The c.1341T>G variant in USH2A is a nonsense variant predicted to introduce a stop codon at amino acid 447. This variant is expected to result in nonsense mediated decay, truncation, or a dysfunctional protein product. This variant is rare in the general population with a frequency below the threshold expected for the associated phenotype(s). Given the available evidence, this variant is classified as Likely Pathogenic.

NM_206933.4(USH2A):c.1341T>G (p.Tyr447Ter)

Gene: USH2A (usherin; minus strand). Cytogenetic location: 1q41.
Variant type: single nucleotide variant.
Coding change: c.1341T>G on transcript NM_206933.4 (MANE Select); coding-DNA position 1341, T replaced by G.
Protein change: p.Tyr447Ter; replaces tyrosine 447 with a stop codon.
Molecular consequence: nonsense.
Genome position (GRCh38, 1-based): chr1:216,323,683, A>C on the plus strand (T>G on the coding strand, the complement: USH2A is on the minus strand). VCF-style: chr1-216323683-A-C. GRCh37 (hg19) VCF-style: chr1-216497025-A-C.
Other names: c.1341T>G, p.Tyr447Ter (NM_007123.6); short protein forms Y447*.
Identifiers: ClinVar variation 4817091 (VCV004817091.1).